The following is an entry in ClinVar:

NM_000021.4(PSEN1):c.480+6C>T

Gene: PSEN1 (presenilin 1; plus strand). Cytogenetic location: 14q24.2.
Variant type: single nucleotide variant.
Coding change: c.480+6C>T on transcript NM_000021.4 (MANE Select); 6 bases into the intron after coding-DNA position 480, C replaced by T.
Molecular consequence: intron variant.
Genome position (GRCh38, 1-based): chr14:73,173,713, C>T. VCF-style: chr14-73173713-C-T. GRCh37 (hg19) VCF-style: chr14-73640421-C-T.
Other names: c.468+6C>T (NM_007318.3).
Identifiers: ClinVar variation 4782660 (VCV004782660.1).

ClinVar aggregate classification (germline): Uncertain significance (1 of 4 stars; one submission).

Conditions:
Pick disease. Also called: PICK DISEASE OF BRAIN; DEMENTIA WITH LOBAR ATROPHY AND NEURONAL CYTOPLASMIC INCLUSIONS; LOBAR ATROPHY OF BRAIN; Pick's disease; Pick Disease of the Brain. Identifiers: Orphanet 282, MedGen C0236642, MONDO:0008243, OMIM 172700.
Alzheimer disease 3 (AD3). Also called: ALZHEIMER DISEASE, FAMILIAL, 3. Identifiers: Orphanet 1020, MedGen C1843013, MONDO:0011913, OMIM 607822.
Acne inversa, familial, 3 (ACNINV3). Identifiers: MedGen C3151038, MONDO:0013398, OMIM 613737.
Frontotemporal dementia (FTD1). Also called: FRONTOTEMPORAL LOBAR DEGENERATION WITH TAU INCLUSIONS; FTLD WITH TAU INCLUSIONS; Frontotemporal Dementia with Parkinsonism-17 (FTDP-17); FRONTOTEMPORAL DEMENTIA WITH PARKINSONISM; FRONTOTEMPORAL LOBE DEMENTIA; MULTIPLE SYSTEM TAUOPATHY WITH PRESENILE DEMENTIA. Identifiers: Orphanet 282, MedGen C0338451, MONDO:0017276, OMIM 600274, HP:0002145.

gnomAD v4.1: 27 of 1,613,830 alleles (0.0017%); highest among the groups gnomAD compares: Non-Finnish European, 0.002%; no homozygotes.

Submission:

Labcorp Genetics (formerly Invitae), Labcorp
Classification: Uncertain significance for Alzheimer disease 3; Pick disease; Acne inversa, familial, 3; Frontotemporal dementia. Last evaluated: 2025-07-05. Review status: criteria provided, single submitter. Criteria: Invitae Variant Classification Sherloc (09022015). Collection method: clinical testing. Allele origin: germline.
Comment: This sequence change falls in intron 5 of the PSEN1 gene. It does not directly change the encoded amino acid sequence of the PSEN1 protein. It affects a nucleotide within the consensus splice site. This variant is present in population databases (rs200974995, gnomAD 0.0009%). This variant has not been reported in the literature in individuals affected with PSEN1-related conditions. Variants that disrupt the consensus splice site are a relatively common cause of aberrant splicing (PMID: 17576681, 9536098). Algorithms developed to predict the effect of sequence changes on RNA splicing suggest that this variant is not likely to affect RNA splicing. In summary, the available evidence is currently insufficient to determine the role of this variant in disease. Therefore, it has been classified as a Variant of Uncertain Significance.

Literature cited by the submitters: PubMed 17576681; PubMed 9536098.